The following is an entry in ClinVar:

NM_002641.4(PIGA):c.1225A>G (p.Met409Val)

Gene: PIGA (phosphatidylinositol glycan anchor biosynthesis class A; minus strand). Cytogenetic location: Xp22.2.
Variant type: single nucleotide variant.
Coding change: c.1225A>G on transcript NM_002641.4 (MANE Select); coding-DNA position 1225, A replaced by G.
Protein change: p.Met409Val; replaces methionine 409 with valine.
Molecular consequence: missense variant. On other transcripts: non-coding transcript variant (2).
Genome position (GRCh38, 1-based): chrX:15,321,736, T>C on the plus strand (A>G on the coding strand, the complement: PIGA is on the minus strand). VCF-style: chrX-15321736-T-C. GRCh37 (hg19) VCF-style: chrX-15339858-T-C.
Other names: c.523A>G, p.Met175Val (NM_020473.3); short protein forms M175V, M409V.
Identifiers: ClinVar variation 1402495 (VCV001402495.8), dbSNP rs1921823118, ClinGen allele CA412334789.

ClinVar aggregate classification (germline): Uncertain significance (1 of 4 stars; one submission).

Conditions:
Multiple congenital anomalies-hypotonia-seizures syndrome 2 (MCAHS2). Also called: EPILEPTIC ENCEPHALOPATHY, EARLY INFANTILE, 20; GLYCOSYLPHOSPHATIDYLINOSITOL BIOSYNTHESIS DEFECT 4. Identifiers: Orphanet 300496, MedGen C3275508, MONDO:0010466, OMIM 300868.

Allele frequency attached by ClinVar (database versions not stated): gnomAD exomes 0.00001.

Submission:

Labcorp Genetics (formerly Invitae), Labcorp
Classification: Uncertain significance for Multiple congenital anomalies-hypotonia-seizures syndrome 2. Last evaluated: 2022-11-01. Review status: criteria provided, single submitter. Criteria: Invitae Variant Classification Sherloc (09022015). Collection method: clinical testing. Allele origin: germline.
Comment: This sequence change replaces methionine, which is neutral and non-polar, with valine, which is neutral and non-polar, at codon 409 of the PIGA protein (p.Met409Val). This variant is not present in population databases (gnomAD no frequency). In summary, the available evidence is currently insufficient to determine the role of this variant in disease. Therefore, it has been classified as a Variant of Uncertain Significance. Advanced modeling of protein sequence and biophysical properties (such as structural, functional, and spatial information, amino acid conservation, physicochemical variation, residue mobility, and thermodynamic stability) performed at Invitae indicates that this missense variant is not expected to disrupt PIGA protein function. ClinVar contains an entry for this variant (Variation ID: 1402495). This variant has not been reported in the literature in individuals affected with PIGA-related conditions.